The following is an entry in ClinVar:

ClinVar aggregate classification (germline): Uncertain significance. Review status: criteria provided, multiple submitters, no conflicts (2 of 4 stars). 2 submissions from 2 submitters: Uncertain significance (2). Last evaluated 2025-03-20.

Conditions:
Malignant hyperthermia, susceptibility to, 1 (MHS1). Also called: Anesthesia related hyperthermia; Malignant hyperpyrexia; Fulminating hyperpyrexia; Pharmacogenic myopathy; RYR1-Related Malignant Hyperthermia Susceptibility; Malignant hyperthermia suceptibility 1. Identifiers: Orphanet 423, MedGen C2930980, MONDO:0007783, OMIM 145600.

Allele frequency attached by ClinVar (database versions not stated): gnomAD exomes below 0.00001; TOPMed below 0.00001; gnomAD 0.00001.
gnomAD v4.1: 8 of 1,614,040 alleles (0.0005%); highest among the groups gnomAD compares: Non-Finnish European, 0.00059%; no homozygotes.

Submissions (2):

GeneDx
Classification: Uncertain significance. Last evaluated: 2025-03-20. Review status: criteria provided, single submitter. Criteria: GeneDx Variant Classification Process June 2021. Collection method: clinical testing. Allele origin: germline. Affected: yes.
Comment: Not observed at significant frequency in large population cohorts (gnomAD); In silico analysis supports that this missense variant has a deleterious effect on protein structure/function; Has not been previously published as pathogenic or benign to our knowledge

All of Us Research Program, National Institutes of Health
Classification: Uncertain significance for Malignant hyperthermia, susceptibility to, 1. Last evaluated: 2023-12-13. Review status: criteria provided, single submitter. Criteria: ACMG Guidelines, 2015. Collection method: clinical testing. Allele origin: germline. Inheritance: Autosomal dominant inheritance. Observed: 1 variant allele, 1 heterozygote.
Comment: This missense variant replaces glutamic acid with glycine at codon 1857 of the RYR1 protein. Computational prediction suggests that this variant may not impact protein structure and function (internally defined REVEL score threshold <= 0.5, PMID: 27666373). To our knowledge, functional studies have not been reported for this variant. This variant has not been reported in individuals affected with RYR1-related disorders in the literature. This variant has been identified in 1/31382 chromosomes in the general population by the Genome Aggregation Database (gnomAD). The available evidence is insufficient to determine the role of this variant in disease conclusively. Therefore, this variant is classified as a Variant of Uncertain Significance.

This study involves interpretation of variants in research participants for the purpose of population health screening. Participant phenotype was not available at the time of variant classification. Additional details can be found in publication PMID: 35346344, PMCID: PMC8962531

NM_000540.3(RYR1):c.5570A>G (p.Glu1857Gly)

Gene: RYR1 (ryanodine receptor 1; plus strand). Cytogenetic location: 19q13.2.
Variant type: single nucleotide variant.
Coding change: c.5570A>G on transcript NM_000540.3 (MANE Select); coding-DNA position 5570, A replaced by G.
Protein change: p.Glu1857Gly; replaces glutamic acid 1857 with glycine.
Molecular consequence: missense variant.
Genome position (GRCh38, 1-based): chr19:38,489,199, A>G. VCF-style: chr19-38489199-A-G. GRCh37 (hg19) VCF-style: chr19-38979839-A-G.
Other names: c.5570A>G, p.Glu1857Gly (NM_001042723.2); short protein forms E1857G.
Identifiers: ClinVar variation 3074763 (VCV003074763.2), dbSNP rs1189214623, ClinGen allele CA405657492.